The following is an entry in ClinVar:

ClinVar aggregate classification (germline): Uncertain significance (1 of 4 stars; one submission).

Conditions:
Bethlem myopathy 1A. Also called: Bethlem myopathy 1; Bethlem Muscular Dystrophy; MYOPATHY, BENIGN CONGENITAL, WITH CONTRACTURES. Identifiers: Orphanet 610, MedGen CN029274, MONDO:0024530, OMIM 158810.

Allele frequency attached by ClinVar (database versions not stated): gnomAD exomes below 0.00001; ExAC 0.00001; ESP Exome Variant Server 0.00008.
gnomAD v4.1: 1 of 1,611,308 alleles (0.000062%); highest among the groups gnomAD compares: Non-Finnish European, 0.000085%; no homozygotes.

Submission:

Labcorp Genetics (formerly Invitae), Labcorp
Classification: Uncertain significance for Bethlem myopathy 1A. Last evaluated: 2023-03-27. Review status: criteria provided, single submitter. Criteria: Invitae Variant Classification Sherloc (09022015). Collection method: clinical testing. Allele origin: germline.
Comment: In summary, the available evidence is currently insufficient to determine the role of this variant in disease. Therefore, it has been classified as a Variant of Uncertain Significance. Advanced modeling of protein sequence and biophysical properties (such as structural, functional, and spatial information, amino acid conservation, physicochemical variation, residue mobility, and thermodynamic stability) performed at Invitae indicates that this missense variant is not expected to disrupt COL6A2 protein function. This variant has not been reported in the literature in individuals affected with COL6A2-related conditions. This variant is present in population databases (rs368819264, gnomAD 0.0009%). This sequence change replaces alanine, which is neutral and non-polar, with valine, which is neutral and non-polar, at codon 776 of the COL6A2 protein (p.Ala776Val).

NM_001849.4(COL6A2):c.2327C>T (p.Ala776Val)

Gene: COL6A2 (collagen type VI alpha 2 chain; plus strand). Cytogenetic location: 21q22.3.
Variant type: single nucleotide variant.
Coding change: c.2327C>T on transcript NM_001849.4 (MANE Select); coding-DNA position 2327, C replaced by T.
Protein change: p.Ala776Val; replaces alanine 776 with valine.
Molecular consequence: missense variant.
Genome position (GRCh38, 1-based): chr21:46,126,142, C>T. VCF-style: chr21-46126142-C-T. GRCh37 (hg19) VCF-style: chr21-47546056-C-T.
Other names: c.2327C>T, p.Ala776Val (NM_058174.3, NM_058175.3); short protein forms A776V.
Identifiers: ClinVar variation 2731806 (VCV002731806.3), dbSNP rs368819264, ClinGen allele CA10072521.
Genomic context (GRCh38, chr21:46,126,142, plus strand): 5'-CCATCGGCATCGGGGACATGTTCCACGAGAAGCACGAGAGTGAAAACCTCTACTCCATCG[C>T]CTGCGACAAGCCACAGCAGGTGCGCAACATGACGCTGTTCTCCGACCTGGTCGCTGAGAA-3'
Protein context (NP_001840.3, residues 766-786): KHESENLYSI[Ala776Val]CDKPQQVRNM